The following is an entry in ClinVar:

ClinVar aggregate classification (germline): Likely pathogenic (1 of 4 stars; one submission).

Allele frequency attached by ClinVar (database versions not stated): gnomAD exomes below 0.00001.
gnomAD v4.1: 1 of 1,550,842 alleles (0.000064%); highest among the groups gnomAD compares: Non-Finnish European, 0.000087%; no homozygotes.

Submission:

GeneDx
Classification: Likely pathogenic. Last evaluated: 2017-06-07. Review status: criteria provided, single submitter. Criteria: GeneDx Variant Classification (06012015). Collection method: clinical testing. Allele origin: germline. Affected: yes.
Comment: The G31R variant in the VSX2 gene has not been reported previously as a pathogenic variant, nor as a benign variant, to our knowledge. The G31R variant is not observed in large population cohorts (Lek et al., 2016; 1000 Genomes Consortium et al., 2015; Exome Variant Server). The variant is a non-conservative amino acid substitution, which is likely to impact secondary protein structure as these residues differ in polarity, charge, size and/or other properties. This substitution occurs at a position that is conserved across species, and in silico analysis predicts this variant is probably damaging to the protein structure/function. We interpret G31R as a likely pathogenic variant.

NM_182894.3(VSX2):c.91G>A (p.Gly31Arg)

Gene: VSX2 (visual system homeobox 2; plus strand). Cytogenetic location: 14q24.3.
Variant type: single nucleotide variant.
Coding change: c.91G>A on transcript NM_182894.3 (MANE Select); coding-DNA position 91, G replaced by A.
Protein change: p.Gly31Arg; replaces glycine 31 with arginine.
Molecular consequence: missense variant.
Genome position (GRCh38, 1-based): chr14:74,239,652, G>A. VCF-style: chr14-74239652-G-A. GRCh37 (hg19) VCF-style: chr14-74706355-G-A.
Other names: short protein forms G31R.
Identifiers: ClinVar variation 432601 (VCV000432601.2), dbSNP rs1555387462, ClinGen allele CA390359755.